The following is an entry in ClinVar:

NM_000478.6(ALPL):c.572A>G (p.Glu191Gly)

Gene: ALPL (alkaline phosphatase, biomineralization associated; plus strand). Cytogenetic location: 1p36.12.
Variant type: single nucleotide variant.
Coding change: c.572A>G on transcript NM_000478.6 (MANE Select); coding-DNA position 572, A replaced by G.
Protein change: p.Glu191Gly; replaces glutamic acid 191 with glycine.
Molecular consequence: missense variant.
Genome position (GRCh38, 1-based): chr1:21,564,140, A>G. VCF-style: chr1-21564140-A-G. GRCh37 (hg19) VCF-style: chr1-21890633-A-G.
Other names: c.407A>G, p.Glu136Gly (NM_001127501.4); c.341A>G, p.Glu114Gly (NM_001177520.3); c.572A>G, p.Glu191Gly (NM_001369803.2, NM_001369804.2, NM_001369805.2); short protein forms E136G, E114G, E191G.
Identifiers: ClinVar variation 1455023 (VCV001455023.8), dbSNP rs1644529717, ClinGen allele CA338878101.

ClinVar aggregate classification (germline): Pathogenic/Likely pathogenic. Review status: criteria provided, multiple submitters, no conflicts (2 of 4 stars). 3 submissions from 3 submitters: Pathogenic (1); Likely pathogenic (2). Last evaluated 2025-08-29.

Conditions:
Hypophosphatasia. Also called: Phosphoethanol-aminuria. Identifiers: Orphanet 436, MedGen C0020630, MeSH D007014, MONDO:0018570.

Allele frequency attached by ClinVar (database versions not stated): gnomAD exomes below 0.00001.
gnomAD v4.1: 1 of 1,614,104 alleles (0.000062%); highest among the groups gnomAD compares: East Asian, 0.0022%; no homozygotes.

Submissions (3):

Genomenon, Inc
Classification: Likely pathogenic for Hypophosphatasia. Last evaluated: 2025-08-29. Review status: criteria provided, single submitter. Criteria: Genomenon Sequence Variant Interpretation Standards. Collection method: curation. Allele origin: germline. Affected: yes.
Comment: ALPL c.572A>G is a missense variant that changes the amino acid at residue 191 from Glutamic acid to Glycine. This variant has been observed in at least one proband affected with hypophosphatasia (PMID:31707452;24276437;32983894;9452105;15660230;28374482). Functional studies have been reported;however, the significance of the findings remain unclear (PMID:12162492;31707452). It is absent or not present at a significant frequency in gnomAD. In silico models agree that this variant is possibly or probably damaging. In conclusion, we classify ALPL p.Glu191Gly (c.572A>G) as a likely pathogenic variant.

JKU Lab, Dept of Paediatrics, Johannes Kepler University
Classification: Likely pathogenic for Hypophosphatasia. Last evaluated: 2024-02-13. Review status: criteria provided, single submitter. Criteria: ACMG Guidelines, 2015. Collection method: clinical testing. Allele origin: germline. Affected: yes.
Comment: The variant is absent from GnomAD. The ACMG criteria applied can be looked up in the ALPL gene variant database.

Labcorp Genetics (formerly Invitae), Labcorp
Classification: Pathogenic. Last evaluated: 2021-11-16. Review status: criteria provided, single submitter. Criteria: Invitae Variant Classification Sherloc (09022015). Collection method: clinical testing. Allele origin: germline.
Comment: This sequence change replaces glutamic acid, which is acidic and polar, with glycine, which is neutral and non-polar, at codon 191 of the ALPL protein (p.Glu191Gly). For these reasons, this variant has been classified as Pathogenic. This variant disrupts the p.Glu191 amino acid residue in ALPL. Other variant(s) that disrupt this residue have been determined to be pathogenic (PMID: 12357339, 15671102, 24569605). This suggests that this residue is clinically significant, and that variants that disrupt this residue are likely to be disease-causing. Experimental studies have shown that this missense change affects ALPL function (PMID: 31707452). Advanced modeling of protein sequence and biophysical properties (such as structural, functional, and spatial information, amino acid conservation, physicochemical variation, residue mobility, and thermodynamic stability) performed at Invitae indicates that this missense variant is expected to disrupt ALPL protein function. This missense change has been observed in individuals with hypophosphatasia (PMID: 31707452). This variant is not present in population databases (gnomAD no frequency).

Literature cited by the submitters: PubMed 31707452 (cited by 3 submitters); PubMed 24276437 (cited by Genomenon, Inc); PubMed 32983894 (cited by Genomenon, Inc); PubMed 9452105 (cited by Genomenon, Inc); PubMed 15660230 (cited by Genomenon, Inc); PubMed 28374482 (cited by Genomenon, Inc); PubMed 12162492 (cited by Genomenon, Inc); PubMed 35197081 (cited by JKU Lab, Dept of Paediatrics, Johannes Kepler University); PubMed 31600233 (cited by JKU Lab, Dept of Paediatrics, Johannes Kepler University); PubMed 12357339 (cited by Labcorp Genetics (formerly Invitae), Labcorp); PubMed 15671102 (cited by Labcorp Genetics (formerly Invitae), Labcorp); PubMed 24569605 (cited by Labcorp Genetics (formerly Invitae), Labcorp).